The following is an entry in ClinVar:

ClinVar aggregate classification (germline): Likely pathogenic. Review status: criteria provided, multiple submitters, no conflicts (2 of 4 stars). 2 submissions from 2 submitters: Likely pathogenic (2). Last evaluated 2023-09-19.

Conditions:
Lynch syndrome 4 (LYNCH4). Also called: Colorectal cancer, hereditary nonpolyposis, type 4; Hereditary non-polyposis colorectal cancer, type 4. Identifiers: Orphanet 144, MedGen C1838333, MONDO:0013699, OMIM 614337. Disease mechanism: loss of function.
Hereditary nonpolyposis colorectal neoplasms. Identifiers: MedGen C0009405, MeSH D003123.

Allele frequency attached by ClinVar (database versions not stated): gnomAD exomes below 0.00001; ExAC 0.00001.

Submissions (2):

Myriad Genetics, Inc.
Classification: Likely pathogenic for Lynch syndrome 4. Last evaluated: 2023-09-19. Review status: criteria provided, single submitter. Criteria: Myriad Autosomal Dominant, Autosomal Recessive and X-Linked Classification Criteria (2023). Collection method: clinical testing. Allele origin: unknown.
Comment: This variant is considered likely pathogenic. This variant occurs within a consensus splice junction and is predicted to result in abnormal mRNA splicing of either an out-of-frame exon or an in-frame exon necessary for protein stability and/or normal function.

Labcorp Genetics (formerly Invitae), Labcorp
Classification: Likely pathogenic for Hereditary nonpolyposis colorectal neoplasms. Last evaluated: 2022-02-01. Review status: criteria provided, single submitter. Criteria: Invitae Variant Classification Sherloc (09022015). Collection method: clinical testing. Allele origin: germline.
Comment: In summary, the currently available evidence indicates that the variant is pathogenic, but additional data are needed to prove that conclusively. Therefore, this variant has been classified as Likely Pathogenic. Algorithms developed to predict the effect of sequence changes on RNA splicing suggest that this variant may disrupt the consensus splice site. This variant has not been reported in the literature in individuals affected with PMS2-related conditions. This variant is present in population databases (rs779064342, gnomAD 0.0009%). This sequence change affects an acceptor splice site in intron 8 of the PMS2 gene. It is expected to disrupt RNA splicing. Variants that disrupt the donor or acceptor splice site typically lead to a loss of protein function (PMID: 16199547), and loss-of-function variants in PMS2 are known to be pathogenic (PMID: 21376568, 24362816).

Literature cited by the submitters: PubMed 16199547 (cited by Labcorp Genetics (formerly Invitae), Labcorp); PubMed 21376568 (cited by Labcorp Genetics (formerly Invitae), Labcorp); PubMed 24362816 (cited by Labcorp Genetics (formerly Invitae), Labcorp).

NM_000535.7(PMS2):c.904-1G>A

Gene: PMS2 (PMS1 homolog 2, mismatch repair system component; minus strand). Cytogenetic location: 7p22.1.
Variant type: single nucleotide variant.
Coding change: c.904-1G>A on transcript NM_000535.7 (MANE Select); the canonical splice acceptor site of the intron before coding-DNA position 904, G replaced by A.
Molecular consequence: splice acceptor variant. On other transcripts: intron variant (1).
Genome position (GRCh38, 1-based): chr7:5,992,058, C>T on the plus strand (G>A on the coding strand, the complement: PMS2 is on the minus strand). VCF-style: chr7-5992058-C-T. GRCh37 (hg19) VCF-style: chr7-6031689-C-T.
Other names: c.586-1G>A (NM_001322008.2, NM_001406902.1, NM_001406883.1 and 4 more transcripts); c.595-1G>A (NM_001406881.1, NM_001406879.1, NM_001322015.2 and 6 more transcripts); c.499-1G>A (NM_001406895.1, NM_001322010.2, NM_001322004.2 and 19 more transcripts); c.133-1G>A (NM_001406911.1); c.391-1G>A (NM_001406904.1, NM_001406905.1); c.331-1G>A (NM_001322013.2, NM_001406909.1); c.-30-1G>A (NM_001322012.2, NM_001322011.2); c.568-1G>A (NM_001406885.1); and 8 more.
Identifiers: ClinVar variation 1505903 (VCV001505903.7), dbSNP rs779064342, ClinGen allele CA052371.